The following is an entry in ClinVar:

NM_018297.4(NGLY1):c.1235A>G (p.Asp412Gly)

Gene: NGLY1 (N-glycanase 1; minus strand). Cytogenetic location: 3p24.2.
Variant type: single nucleotide variant.
Coding change: c.1235A>G on transcript NM_018297.4 (MANE Select); coding-DNA position 1235, A replaced by G.
Protein change: p.Asp412Gly; replaces aspartic acid 412 with glycine.
Molecular consequence: missense variant.
Genome position (GRCh38, 1-based): chr3:25,733,897, T>C on the plus strand (A>G on the coding strand, the complement: NGLY1 is on the minus strand). VCF-style: chr3-25733897-T-C. GRCh37 (hg19) VCF-style: chr3-25775388-T-C.
Other names: c.1181A>G, p.Asp394Gly (NM_001145293.2); c.1109A>G, p.Asp370Gly (NM_001145294.2); c.1235A>G, p.Asp412Gly (NM_001145295.2); short protein forms D370G, D412G, D394G.
Identifiers: ClinVar variation 1522074 (VCV001522074.8), dbSNP rs778513258, ClinGen allele CA351899886.

ClinVar aggregate classification (germline): Uncertain significance (1 of 4 stars; one submission).

Conditions:
Congenital disorder of deglycosylation (CDDG). Identifiers: MedGen C3808991, MONDO:0031376.

Submission:

Labcorp Genetics (formerly Invitae), Labcorp
Classification: Uncertain significance for Congenital disorder of deglycosylation. Last evaluated: 2021-02-15. Review status: criteria provided, single submitter. Criteria: Invitae Variant Classification Sherloc (09022015). Collection method: clinical testing. Allele origin: germline.
Comment: This sequence change replaces aspartic acid with glycine at codon 412 of the NGLY1 protein (p.Asp412Gly). The aspartic acid residue is weakly conserved and there is a moderate physicochemical difference between aspartic acid and glycine. In summary, the available evidence is currently insufficient to determine the role of this variant in disease. Therefore, it has been classified as a Variant of Uncertain Significance. Algorithms developed to predict the effect of missense changes on protein structure and function (SIFT, PolyPhen-2, Align-GVGD) all suggest that this variant is likely to be tolerated, but these predictions have not been confirmed by published functional studies and their clinical significance is uncertain. This variant has not been reported in the literature in individuals with NGLY1-related conditions. This variant is not present in population databases (ExAC no frequency).